The following is an entry in ClinVar:

ClinVar aggregate classification (germline): Uncertain significance (1 of 4 stars; one submission).

Conditions:
Inborn genetic diseases. Identifiers: MedGen C0950123, MeSH D030342.

Submission:

Ambry Genetics
Classification: Uncertain significance for Inborn genetic diseases. Last evaluated: 2025-03-20. Review status: criteria provided, single submitter. Criteria: Ambry Variant Classification Scheme 2023. Collection method: clinical testing. Allele origin: germline.
Comment: The p.F407L variant (also known as c.1219T>C), located in coding exon 5 of the SH2B3 gene, results from a T to C substitution at nucleotide position 1219. The phenylalanine at codon 407 is replaced by leucine, an amino acid with highly similar properties. This amino acid position is conserved. In addition, this alteration is predicted to be tolerated by in silico analysis. Based on the available evidence, the clinical significance of this variant remains unclear.

NM_005475.3(SH2B3):c.1219T>C (p.Phe407Leu)

Gene: SH2B3 (SH2B adaptor protein 3; plus strand). Cytogenetic location: 12q24.12.
Variant type: single nucleotide variant.
Coding change: c.1219T>C on transcript NM_005475.3 (MANE Select); coding-DNA position 1219, T replaced by C.
Protein change: p.Phe407Leu; replaces phenylalanine 407 with leucine.
Molecular consequence: missense variant.
Genome position (GRCh38, 1-based): chr12:111,447,527, T>C. VCF-style: chr12-111447527-T-C. GRCh37 (hg19) VCF-style: chr12-111885331-T-C.
Other names: c.613T>C, p.Phe205Leu (NM_001291424.1); short protein forms F407L, F205L.
Identifiers: ClinVar variation 3953366 (VCV003953366.1).
Genomic context (GRCh38, chr12:111,447,527, plus strand): 5'-GGAGTGTTCCTGGTGCGGCAGAGCGAGACGCGGCGTGGGGAATACGTGCTCACTTTCAAC[T>C]TTCAGGGGATAGCCAAGGTATGGGGTGGGGTGGGGTGGGGTGGGGCAGGCAGGACCGTGC-3'
Protein context (NP_005466.1, residues 397-417): RRGEYVLTFN[Phe407Leu]QGIAKHLRLS